The following is an entry in ClinVar:

ClinVar aggregate classification (germline): Likely benign. Review status: criteria provided, single submitter (1 of 4 stars). 2 submissions from 2 submitters: Likely benign (1). 1 of the submissions does not count toward it. Last evaluated 2019-10-20.

Conditions:
TNXB-related disorder. Also called: TNXB-related condition.
Cardiovascular phenotype. Identifiers: MedGen CN230736.

Allele frequency attached by ClinVar (database versions not stated): gnomAD 0.00004.
gnomAD v4.1: 14 of 1,613,058 alleles (0.00087%); highest among the groups gnomAD compares: African/African-American, 0.012%; no homozygotes.

Submissions (2):

Ambry Genetics
Classification: Likely benign for Cardiovascular phenotype. Last evaluated: 2019-10-20. Review status: criteria provided, single submitter. Criteria: Ambry Variant Classification Scheme 2023. Collection method: clinical testing. Allele origin: germline.

PreventionGenetics, part of Exact Sciences
Classification: Likely benign for TNXB-related condition. Last evaluated: 2024-01-22. Review status: no assertion criteria provided. Collection method: clinical testing. Allele origin: germline. Not counted in ClinVar's aggregate classification.
Comment: This variant is classified as likely benign based on ACMG/AMP sequence variant interpretation guidelines (Richards et al. 2015 PMID: 25741868, with internal and published modifications).

NM_001365276.2(TNXB):c.4122C>T (p.Leu1374=)

Gene: TNXB (tenascin XB; minus strand). Cytogenetic location: 6p21.33.
Variant type: single nucleotide variant.
Coding change: c.4122C>T on transcript NM_001365276.2 (MANE Select); coding-DNA position 4122, C replaced by T.
Protein change: p.Leu1374=; no amino-acid change (leucine 1374 retained).
Molecular consequence: synonymous variant.
Genome position (GRCh38, 1-based): chr6:32,079,286, G>A on the plus strand (C>T on the coding strand, the complement: TNXB is on the minus strand). VCF-style: chr6-32079286-G-A. GRCh37 (hg19) VCF-style: chr6-32047063-G-A.
Other names: c.4122C>T, p.Leu1374= (NM_019105.8).
Identifiers: ClinVar variation 1738032 (VCV001738032.4), dbSNP rs1313725492, ClinGen allele CA449822474.
Genomic context (GRCh38, chr6:32,079,286, plus strand): 5'-GACGGTCCAGAAGAGGCTCAGCGAATCAGGGGAGGATCCTGTCACTGTCAGCTCCCCCAG[G>A]AGCGGCTCCTCGGGGGACTCCGGGGCCTCCGTGCCCAGTTCTGTGGGGCTGGGGGTCTCG-3'
Protein context (NP_001352205.1, residues 1364-1384): TEAPESPEEP[Leu1374=]LGELTVTGSS